The following is an entry in ClinVar:

ClinVar aggregate classification (germline): Uncertain significance (1 of 4 stars; one submission).

Submission:

Labcorp Genetics (formerly Invitae), Labcorp
Classification: Uncertain significance. Last evaluated: 2022-05-25. Review status: criteria provided, single submitter. Criteria: Invitae Variant Classification Sherloc (09022015). Collection method: clinical testing. Allele origin: germline.
Comment: This sequence change replaces glutamine, which is neutral and polar, with proline, which is neutral and non-polar, at codon 291 of the SLC16A1 protein (p.Gln291Pro). This variant is not present in population databases (gnomAD no frequency). In summary, the available evidence is currently insufficient to determine the role of this variant in disease. Therefore, it has been classified as a Variant of Uncertain Significance. Algorithms developed to predict the effect of missense changes on protein structure and function (SIFT, PolyPhen-2, Align-GVGD) all suggest that this variant is likely to be tolerated. This variant has not been reported in the literature in individuals affected with SLC16A1-related conditions.

NM_003051.4(SLC16A1):c.872A>C (p.Gln291Pro)

Gene: SLC16A1 (solute carrier family 16 member 1; minus strand). Cytogenetic location: 1p13.2.
Variant type: single nucleotide variant.
Coding change: c.872A>C on transcript NM_003051.4 (MANE Select); coding-DNA position 872, A replaced by C.
Protein change: p.Gln291Pro; replaces glutamine 291 with proline.
Molecular consequence: missense variant.
Genome position (GRCh38, 1-based): chr1:112,917,534, T>G on the plus strand (A>C on the coding strand, the complement: SLC16A1 is on the minus strand). VCF-style: chr1-112917534-T-G. GRCh37 (hg19) VCF-style: chr1-113460156-T-G.
Other names: c.872A>C, p.Gln291Pro (NM_001166496.2); short protein forms Q291P.
Identifiers: ClinVar variation 1998981 (VCV001998981.4), dbSNP rs2525087658, ClinGen allele CA341828021.